The following is an entry in ClinVar:

NM_000228.3(LAMB3):c.202A>T (p.Lys68Ter)

Gene: LAMB3 (laminin subunit beta 3; minus strand). Cytogenetic location: 1q32.2.
Variant type: single nucleotide variant.
Coding change: c.202A>T on transcript NM_000228.3 (MANE Select); coding-DNA position 202, A replaced by T.
Protein change: p.Lys68Ter; replaces lysine 68 with a stop codon.
Molecular consequence: nonsense.
Genome position (GRCh38, 1-based): chr1:209,638,630, T>A on the plus strand (A>T on the coding strand, the complement: LAMB3 is on the minus strand). VCF-style: chr1-209638630-T-A. GRCh37 (hg19) VCF-style: chr1-209811975-T-A.
Other names: c.202A>T, p.Lys68Ter (NM_001017402.2, NM_001127641.1); short protein forms K68*.
Identifiers: ClinVar variation 984223 (VCV000984223.3), dbSNP rs2076427827, ClinGen allele CA344597890.

ClinVar aggregate classification (germline): Likely pathogenic (1 of 4 stars; one submission).

Conditions:
Junctional epidermolysis bullosa gravis of Herlitz. Also called: Herlitz-type junctional epidermolysis bullosa; Epidermolysis Bullosa Letalis; EPIDERMOLYSIS BULLOSA, JUNCTIONAL 1B, SEVERE; EPIDERMOLYSIS BULLOSA JUNCTIONALIS, HERLITZ TYPE; EPIDERMOLYSIS BULLOSA, JUNCTIONAL, HERLITZ-PEARSON TYPE; JEB-HERLITZ TYPE. Identifiers: Orphanet 79404, MedGen C0079683, MONDO:0009182, OMIM 226700.

Submission:

Myriad Genetics, Inc.
Classification: Likely pathogenic for Junctional epidermolysis bullosa gravis of Herlitz. Last evaluated: 2020-03-11. Review status: criteria provided, single submitter. Criteria: Myriad Women's Health Autosomal Recessive and X-Linked Classification Criteria (2019). Collection method: clinical testing. Allele origin: unknown.
Comment: NM_000228.2(LAMB3):c.202A>T(K68*) is expected to be pathogenic in the context of Herlitz junctional epidermolysis bullosa, LAMB3-related. This variant is predicted to lead to an abnormal or absent protein product due to the creation of a premature termination codon in LAMB3, a gene where loss-of-function variants are known to be pathogenic. Please note: this variant was assessed in the context of healthy population screening.